The following is an entry in ClinVar:

NM_001393504.1(MAST3):c.2384C>T (p.Ser795Leu)

Gene: MAST3 (microtubule associated serine/threonine kinase 3; plus strand). Cytogenetic location: 19p13.11.
Variant type: single nucleotide variant.
Coding change: c.2384C>T on transcript NM_001393504.1 (MANE Select); coding-DNA position 2384, C replaced by T.
Protein change: p.Ser795Leu; replaces serine 795 with leucine.
Molecular consequence: missense variant.
Genome position (GRCh38, 1-based): chr19:18,143,807, C>T. VCF-style: chr19-18143807-C-T. GRCh37 (hg19) VCF-style: chr19-18254617-C-T.
Other names: c.2336C>T, p.Ser779Leu (NM_001393506.1, NM_001393513.1); c.2363C>T, p.Ser788Leu (NM_001393507.1); c.2318C>T, p.Ser773Leu (NM_001393508.1, NM_001393516.1); c.2315C>T, p.Ser772Leu (NM_001393509.1, NM_001393510.1, NM_001393512.1 and 2 more transcripts); c.2312C>T, p.Ser771Leu (NM_001393511.1, NM_001393519.1); c.2297C>T, p.Ser766Leu (NM_001393514.1, NM_015016.2); c.2294C>T, p.Ser765Leu (NM_001393515.1, NM_001393520.1); c.2270C>T, p.Ser757Leu (NM_001393521.1); and 4 more; short protein forms S757L, S765L, S766L, S771L, S772L, S773L, S779L, S788L.
Identifiers: ClinVar variation 5038959 (VCV005038959.1).
Genomic context (GRCh38, chr19:18,143,807, plus strand): 5'-CTCTTCCTCCCTGCAGGCTGAGGTCCTGGACATCCTCTGGATCCTCCTGTCAGTCATCTT[C>T]GTCCCAGCCCGAGCGGGGTCCCAGCCCATCTCTCCTGAATACCATCAGCCTGGACACAAT-3'
Protein context (NP_001380433.1, residues 785-805): TSSGSSCQSS[Ser795Leu]SQPERGPSPS

ClinVar aggregate classification (germline): Likely benign (1 of 4 stars; one submission).

gnomAD v4.1: 127 of 1,613,808 alleles (0.0079%); highest among the groups gnomAD compares: South Asian, 0.12%; no homozygotes.

Submission:

CeGaT Center for Human Genetics Tuebingen
Classification: Likely benign. Last evaluated: 2026-08-01. Review status: criteria provided, single submitter. Criteria: CeGaT Center For Human Genetics Tuebingen Variant Classification Criteria Version 2. Collection method: clinical testing. Allele origin: germline. Affected: yes. Observed: 1 variant allele.
Comment: MAST3: BP4, BS1